The following is an entry in ClinVar:

ClinVar aggregate classification (germline): Uncertain significance (1 of 4 stars; one submission).

Conditions:
Bloom syndrome (BLM). Also called: Bloom-Torre-Machacek syndrome. Identifiers: Orphanet 125, MedGen C0005859, MONDO:0008876, OMIM 210900.

Submission:

Labcorp Genetics (formerly Invitae), Labcorp
Classification: Uncertain significance for Bloom syndrome. Last evaluated: 2024-02-05. Review status: criteria provided, single submitter. Criteria: Invitae Variant Classification Sherloc (09022015). Collection method: clinical testing. Allele origin: germline.
Comment: This sequence change replaces proline, which is neutral and non-polar, with leucine, which is neutral and non-polar, at codon 715 of the BLM protein (p.Pro715Leu). This variant is not present in population databases (gnomAD no frequency). This variant has not been reported in the literature in individuals affected with BLM-related conditions. Advanced modeling of protein sequence and biophysical properties (such as structural, functional, and spatial information, amino acid conservation, physicochemical variation, residue mobility, and thermodynamic stability) performed at Invitae indicates that this missense variant is expected to disrupt BLM protein function with a positive predictive value of 80%. In summary, the available evidence is currently insufficient to determine the role of this variant in disease. Therefore, it has been classified as a Variant of Uncertain Significance.

NM_000057.4(BLM):c.2144C>T (p.Pro715Leu)

Gene: BLM (BLM RecQ like helicase; plus strand). Cytogenetic location: 15q26.1.
Variant type: single nucleotide variant.
Coding change: c.2144C>T on transcript NM_000057.4 (MANE Select); coding-DNA position 2144, C replaced by T.
Protein change: p.Pro715Leu; replaces proline 715 with leucine.
Molecular consequence: missense variant.
Genome position (GRCh38, 1-based): chr15:90,765,365, C>T. VCF-style: chr15-90765365-C-T. GRCh37 (hg19) VCF-style: chr15-91308595-C-T.
Other names: c.2144C>T, p.Pro715Leu (NM_001287246.2, NM_001287247.2); c.1019C>T, p.Pro340Leu (NM_001287248.2); short protein forms P715L, P340L.
Identifiers: ClinVar variation 3665145 (VCV003665145.2).